The following is an entry in ClinVar:

ClinVar aggregate classification (germline): Uncertain significance. Review status: criteria provided, multiple submitters, no conflicts (2 of 4 stars). 2 submissions from 2 submitters: Uncertain significance (2). Last evaluated 2023-06-27.

Conditions:
Hereditary cancer-predisposing syndrome. Also called: Hereditary Cancer Syndrome; Neoplastic Syndromes, Hereditary; Tumor predisposition; Hereditary neoplastic syndrome. Identifiers: Orphanet 140162, MedGen C0027672, MeSH D009386, MONDO:0015356.
Breast-ovarian cancer, familial, susceptibility to, 4. Identifiers: Orphanet 145, MedGen C3280345, MONDO:0013669, OMIM 614291.

Submissions (2):

Labcorp Genetics (formerly Invitae), Labcorp
Classification: Uncertain significance for Breast-ovarian cancer, familial, susceptibility to, 4. Last evaluated: 2023-06-27. Review status: criteria provided, single submitter. Criteria: Invitae Variant Classification Sherloc (09022015). Collection method: clinical testing. Allele origin: germline.
Comment: In summary, the available evidence is currently insufficient to determine the role of this variant in disease. Therefore, it has been classified as a Variant of Uncertain Significance. Advanced modeling of protein sequence and biophysical properties (such as structural, functional, and spatial information, amino acid conservation, physicochemical variation, residue mobility, and thermodynamic stability) performed at Invitae indicates that this missense variant is not expected to disrupt RAD51D protein function. ClinVar contains an entry for this variant (Variation ID: 1023241). This variant has not been reported in the literature in individuals affected with RAD51D-related conditions. This variant is not present in population databases (gnomAD no frequency). This sequence change replaces alanine, which is neutral and non-polar, with threonine, which is neutral and polar, at codon 80 of the RAD51D protein (p.Ala80Thr).

Ambry Genetics
Classification: Uncertain significance for Hereditary cancer-predisposing syndrome. Last evaluated: 2022-10-10. Review status: criteria provided, single submitter. Criteria: Ambry Variant Classification Scheme 2023. Collection method: clinical testing. Allele origin: germline.
Comment: The p.A80T variant (also known as c.238G>A), located in coding exon 3 of the RAD51D gene, results from a G to A substitution at nucleotide position 238. The alanine at codon 80 is replaced by threonine, an amino acid with similar properties. This amino acid position is conserved. In addition, the in silico prediction for this alteration is inconclusive. Since supporting evidence is limited at this time, the clinical significance of this alteration remains unclear.

NM_002878.4(RAD51D):c.238G>A (p.Ala80Thr)

Genes: RAD51L3-RFFL (RAD51L3-RFFL readthrough; minus strand), RAD51D (RAD51 paralog D; minus strand). Cytogenetic location: 17q12.
Variant type: single nucleotide variant.
Coding change: c.238G>A on transcript NM_002878.4 (MANE Select); coding-DNA position 238, G replaced by A.
Protein change: p.Ala80Thr; replaces alanine 80 with threonine.
Molecular consequence: missense variant. On other transcripts: intron variant (2).
Genome position (GRCh38, 1-based): chr17:35,118,526, C>T on the plus strand (G>A on the coding strand, the complement: RAD51D is on the minus strand). VCF-style: chr17-35118526-C-T. GRCh37 (hg19) VCF-style: chr17-33445545-C-T.
Other names: c.144+585G>A (NM_133629.3, NM_001142571.2); short protein forms A80T.
Identifiers: ClinVar variation 1023241 (VCV001023241.11), dbSNP rs2091776105, ClinGen allele CA399091221.